The following is an entry in ClinVar:

NM_000492.4(CFTR):c.489+6_489+9del

Gene: CFTR (CF transmembrane conductance regulator; plus strand). Cytogenetic location: 7q31.2.
Variant type: Deletion.
Coding change: c.489+6_489+9del on transcript NM_000492.4 (MANE Select); bases 6 to 9 of the intron after coding-DNA position 489, 4 bases deleted (ACTT; older notation c.489+6_489+9delACTT).
Molecular consequence: intron variant.
Genome position (GRCh38, 1-based): chr7:117,531,120-117,531,123, ACTT deleted; deleting any 4 consecutive bases within chr7:117,531,119-117,531,123 gives the same sequence; the c. name uses the placement nearest the transcript's 3' end. VCF-style (leftmost placement, unchanged base first): chr7-117531118-ATACT-A. GRCh37 (hg19) VCF-style: chr7-117171172-ATACT-A.
Other names: c.489+6_489+9delACTT (NM_000492.4).
Identifiers: ClinVar variation 4687777 (VCV004687777.1).
Genomic context (GRCh38, chr7:117,531,118, plus strand): 5'-CTTCATCACATTGGAATGCAGATGAGAATAGCTATGTTTAGTTTGATTTATAAGAAGGTA[ATACT>A]TCCTTGCACAGGCCCCATGGCACATATATTCTGTATCGTACATGTTTTAATGTCATAAAT-3'

ClinVar aggregate classification (germline): Uncertain significance (1 of 4 stars; one submission).

Submission:

Women's Health and Genetics/Laboratory Corporation of America, LabCorp
Classification: Uncertain significance. Last evaluated: 2025-10-24. Review status: criteria provided, single submitter. Criteria: LabCorp Variant Classification Summary - May 2015. Collection method: clinical testing. Allele origin: germline.
Comment: Variant summary: CFTR c.489+6_489+9delACTT alters a non-conserved nucleotide located close to a canonical splice site and therefore could affect mRNA splicing, leading to a significantly altered protein sequence. Consensus agreement among computation tools predict no significant impact on normal splicing. However, these predictions have yet to be confirmed by functional studies. The variant was absent in 245226 control chromosomes. The available data on variant occurrences in the general population are insufficient to allow any conclusion about variant significance. To our knowledge, no occurrence of c.489+6_489+9delACTT in individuals affected with CFTR-related conditions and no experimental evidence demonstrating its impact on protein function have been reported. No submitters have cited clinical-significance assessments for this variant to ClinVar. Based on the evidence outlined above, the variant was classified as uncertain significance.